The following is an entry in ClinVar:

ClinVar aggregate classification (germline): Likely benign. Review status: criteria provided, multiple submitters, no conflicts (2 of 4 stars). 2 submissions from 2 submitters: Likely benign (2). Last evaluated 2023-12-05.

Allele frequency attached by ClinVar (database versions not stated): gnomAD exomes 0.00002 and 0.00008; gnomAD 0.00006 and 0.00007; TOPMed 0.00007; 1000 Genomes Project 30x 0.00016; 1000 Genomes Project 0.00020.
gnomAD v4.1: 124 of 1,536,372 alleles (0.0081%); highest among the groups gnomAD compares: East Asian, 0.14%; 1 homozygote.

Submissions (2):

Blueprint Genetics
Classification: Likely benign. Last evaluated: 2023-12-05. Review status: criteria provided, single submitter. Criteria: ACMG Guidelines, 2015. Collection method: clinical testing. Allele origin: germline.

GeneDx
Classification: Likely benign. Last evaluated: 2021-06-07. Review status: criteria provided, single submitter. Criteria: GeneDx Variant Classification Process June 2021. Collection method: clinical testing. Allele origin: germline. Affected: yes.
Comment: See Variant Classification Assertion Criteria.

NM_016203.4(PRKAG2):c.466+45211G>A

Gene: PRKAG2 (protein kinase AMP-activated non-catalytic subunit gamma 2; minus strand). Cytogenetic location: 7q36.1.
Variant type: single nucleotide variant.
Coding change: c.466+45211G>A on transcript NM_016203.4 (MANE Select); 45211 bases into the intron after coding-DNA position 466, G replaced by A.
Molecular consequence: intron variant. On other transcripts: missense variant (2).
Genome position (GRCh38, 1-based): chr7:151,735,941, C>T on the plus strand (G>A on the coding strand, the complement: PRKAG2 is on the minus strand). VCF-style: chr7-151735941-C-T. GRCh37 (hg19) VCF-style: chr7-151433027-C-T.
Other names: c.53G>A, p.Arg18Gln (NM_001304527.2, NM_001363698.2); c.334+45211G>A (NM_001040633.2); short protein forms R18Q.
Identifiers: ClinVar variation 1678847 (VCV001678847.3), dbSNP rs149506922, ClinGen allele CA169455356.